The following is an entry in ClinVar:

NM_001318852.2(MAPK8IP3):c.2221T>C (p.Cys741Arg)

Gene: MAPK8IP3 (mitogen-activated protein kinase 8 interacting protein 3; plus strand). Cytogenetic location: 16p13.3.
Variant type: single nucleotide variant.
Coding change: c.2221T>C on transcript NM_001318852.2 (MANE Select); coding-DNA position 2221, T replaced by C.
Protein change: p.Cys741Arg; replaces cysteine 741 with arginine.
Molecular consequence: missense variant.
Genome position (GRCh38, 1-based): chr16:1,764,400, T>C. VCF-style: chr16-1764400-T-C. GRCh37 (hg19) VCF-style: chr16-1814401-T-C.
Other names: c.2200T>C, p.Cys734Arg (NM_001040439.2); c.2218T>C, p.Cys740Arg (NM_015133.5, NM_033392.3); short protein forms C734R, C740R, C741R.
Identifiers: ClinVar variation 2431407 (VCV002431407.3), dbSNP rs1417684145, ClinGen allele CA394233908.

ClinVar aggregate classification (germline): Conflicting classifications of pathogenicity. Review status: criteria provided, conflicting classifications (1 of 4 stars). 2 submissions from 2 submitters: Uncertain significance (1); Likely benign (1). Last evaluated 2024-09-20.

Conditions:
Neurodevelopmental disorder with or without variable brain abnormalities; NEDBA. Also called: NEURODEVELOPMENTAL DISORDER WITH OR WITHOUT VARIABLE BRAIN ABNORMALITIES. Identifiers: MedGen C5193102, MONDO:0032755, OMIM 618443.

Submissions (2):

3billion
Classification: Likely benign for Neurodevelopmental disorder with or without variable brain abnormalities; NEDBA. Last evaluated: 2024-09-20. Review status: criteria provided, single submitter. Criteria: ACMG Guidelines, 2015. Collection method: clinical testing. Allele origin: germline. Affected: no.
Comment: The variant was identified in at least one patient who was diagnosed with a different variant in another gene and showed no symptoms related to the gene containing the variant in question.

Laboratorio de Genetica e Diagnostico Molecular, Hospital Israelita Albert Einstein
Classification: Uncertain significance for Neurodevelopmental disorder with or without variable brain abnormalities; NEDBA. Last evaluated: 2022-09-28. Review status: criteria provided, single submitter. Criteria: ACMG Guidelines, 2015. Collection method: clinical testing. Allele origin: germline. Affected: yes.
Comment: ACMG classification criteria: PM2 moderated, BP4 supporting